The following is an entry in ClinVar:

NM_003873.7(NRP1):c.1096G>A (p.Gly366Arg)

Gene: NRP1 (neuropilin 1; minus strand). Cytogenetic location: 10p11.22.
Variant type: single nucleotide variant.
Coding change: c.1096G>A on transcript NM_003873.7 (MANE Select); coding-DNA position 1096, G replaced by A.
Protein change: p.Gly366Arg; replaces glycine 366 with arginine.
Molecular consequence: missense variant. On other transcripts: non-coding transcript variant (1).
Genome position (GRCh38, 1-based): chr10:33,226,175, C>T on the plus strand (G>A on the coding strand, the complement: NRP1 is on the minus strand). VCF-style: chr10-33226175-C-T. GRCh37 (hg19) VCF-style: chr10-33515103-C-T.
Other names: c.1096G>A, p.Gly366Arg (NM_001024628.3, NM_001024629.3, NM_001244972.2 and 2 more transcripts); short protein forms G366R.
Identifiers: ClinVar variation 2635826 (VCV002635826.3), dbSNP rs370551432, ClinGen allele CA5466738.

ClinVar aggregate classification (germline): Uncertain significance (1 of 4 stars; one submission).

Conditions:
NRP1-related disorder. Also called: NRP1-related condition.

Allele frequency attached by ClinVar (database versions not stated): gnomAD exomes 0.00002; gnomAD 0.00003; TOPMed 0.00003; ExAC 0.00006; ESP Exome Variant Server 0.00008.
gnomAD v4.1: 30 of 1,614,056 alleles (0.0019%); highest among the groups gnomAD compares: South Asian, 0.013%; no homozygotes.

Submission:

PreventionGenetics, part of Exact Sciences
Classification: Uncertain significance for NRP1-related condition. Last evaluated: 2026-05-22. Review status: criteria provided, single submitter. Criteria: ACMG Guidelines, 2015. Collection method: clinical testing. Allele origin: germline.
Comment: The NRP1 c.1096G>A variant is predicted to result in the amino acid substitution p.Gly366Arg. To our knowledge, this variant has not been reported in the literature. This variant is reported in 0.018% of alleles in individuals of African descent in gnomAD. At this time, the clinical significance of this variant is uncertain due to the absence of conclusive functional and genetic evidence.